The following is an entry in ClinVar:

ClinVar aggregate classification (germline): Uncertain significance (1 of 4 stars; one submission).

Allele frequency attached by ClinVar (database versions not stated): gnomAD exomes 0.00001; ExAC 0.00007; TOPMed 0.00013; gnomAD 0.00014; 1000 Genomes Project 0.00020; 1000 Genomes Project 30x 0.00031; ESP Exome Variant Server 0.00031.
gnomAD v4.1: 36 of 1,613,986 alleles (0.0022%); highest among the groups gnomAD compares: African/African-American, 0.044%; no homozygotes.

Submission:

Labcorp Genetics (formerly Invitae), Labcorp
Classification: Uncertain significance. Last evaluated: 2024-06-27. Review status: criteria provided, single submitter. Criteria: Invitae Variant Classification Sherloc (09022015). Collection method: clinical testing. Allele origin: germline.
Comment: This sequence change falls in intron 43 of the ATR gene. It does not directly change the encoded amino acid sequence of the ATR protein. It affects a nucleotide within the consensus splice site. This variant is present in population databases (rs199551428, gnomAD 0.06%). This variant has not been reported in the literature in individuals affected with ATR-related conditions. ClinVar contains an entry for this variant (Variation ID: 2177623). Variants that disrupt the consensus splice site are a relatively common cause of aberrant splicing (PMID: 17576681, 9536098). Algorithms developed to predict the effect of sequence changes on RNA splicing suggest that this variant is not likely to affect RNA splicing. In summary, the available evidence is currently insufficient to determine the role of this variant in disease. Therefore, it has been classified as a Variant of Uncertain Significance.

Literature cited by the submitters: PubMed 17576681; PubMed 9536098.

NM_001184.4(ATR):c.7349+4A>G

Gene: ATR (ATR checkpoint kinase; minus strand). Cytogenetic location: 3q23.
Variant type: single nucleotide variant.
Coding change: c.7349+4A>G on transcript NM_001184.4 (MANE Select); 4 bases into the intron after coding-DNA position 7349, A replaced by G.
Molecular consequence: intron variant.
Genome position (GRCh38, 1-based): chr3:142,459,223, T>C on the plus strand (A>G on the coding strand, the complement: ATR is on the minus strand). VCF-style: chr3-142459223-T-C. GRCh37 (hg19) VCF-style: chr3-142178065-T-C.
Other names: c.7157+4A>G (NM_001354579.2).
Identifiers: ClinVar variation 2177623 (VCV002177623.3), dbSNP rs199551428, ClinGen allele CA2649158.